The following is an entry in ClinVar:

NM_004426.3(PHC1):c.1642C>T (p.Leu548=)

Gene: PHC1 (polyhomeotic homolog 1; plus strand). Cytogenetic location: 12p13.31.
Variant type: single nucleotide variant.
Coding change: c.1642C>T on transcript NM_004426.3 (MANE Select); coding-DNA position 1642, C replaced by T.
Protein change: p.Leu548=; no amino-acid change (leucine 548 retained).
Molecular consequence: synonymous variant. On other transcripts: non-coding transcript variant (1), intron variant (11).
Genome position (GRCh38, 1-based): chr12:8,933,099, C>T. VCF-style: chr12-8933099-C-T. GRCh37 (hg19) VCF-style: chr12-9085695-C-T.
Other names: c.1642C>T, p.Leu548= (NM_001413738.1); c.1636C>T, p.Leu546= (NM_001413739.1); c.1618C>T, p.Leu540= (NM_001413740.1); c.1531C>T, p.Leu511= (NM_001413741.1); c.1486C>T, p.Leu496= (NM_001413742.1, NM_001413743.1); c.1356+286C>T (NM_001413748.1, NM_001413749.1); c.1332+286C>T (NM_001413751.1, NM_001413752.1); c.1375-108C>T (NM_001413744.1); and 6 more.
Identifiers: ClinVar variation 2642690 (VCV002642690.24), dbSNP rs751459924, ClinGen allele CA6437041.
Genomic context (GRCh38, chr12:8,933,099, plus strand): 5'-CAAGTTGTAGGCACTCGACAGCCAGGTACAGCCCAGGCACAGGCTTTGGGGTTGGCACAG[C>T]TGGCAGCTGCTGTACCTACTTCCCGGGGGATGCCAGGTACAGTGCAGTCTGGTCAGGCCC-3'
Protein context (NP_004417.2, residues 538-558): AQAQALGLAQ[Leu548=]AAAVPTSRGM

ClinVar aggregate classification (germline): Likely benign (1 of 4 stars; one submission).

Allele frequency attached by ClinVar (database versions not stated): 1000 Genomes Project 0.00040; 1000 Genomes Project 30x 0.00047; ExAC 0.00063.

Submission:

CeGaT Center for Human Genetics Tuebingen
Classification: Likely benign. Last evaluated: 2022-04-01. Review status: criteria provided, single submitter. Criteria: CeGaT Center For Human Genetics Tuebingen Variant Classification Criteria Version 2. Collection method: clinical testing. Allele origin: germline. Affected: yes. Observed: 1 variant allele.
Comment: PHC1: BP4, BP7